The following is an entry in ClinVar:

NM_000548.5(TSC2):c.3293C>G (p.Pro1098Arg)

Gene: TSC2 (TSC complex subunit 2; plus strand). Cytogenetic location: 16p13.3.
Variant type: single nucleotide variant.
Coding change: c.3293C>G on transcript NM_000548.5 (MANE Select); coding-DNA position 3293, C replaced by G.
Protein change: p.Pro1098Arg; replaces proline 1098 with arginine.
Molecular consequence: missense variant.
Genome position (GRCh38, 1-based): chr16:2,079,565, C>G. VCF-style: chr16-2079565-C-G. GRCh37 (hg19) VCF-style: chr16-2129566-C-G.
Other names: c.3161C>G, p.Pro1054Arg (NM_001077183.3, NM_001370404.1); c.3293C>G, p.Pro1098Arg (NM_001114382.3); c.3053C>G, p.Pro1018Arg (NM_001318827.2); c.3017C>G, p.Pro1006Arg (NM_001318829.2); c.2561C>G, p.Pro854Arg (NM_001318831.2); c.3194C>G, p.Pro1065Arg (NM_001318832.2); c.3164C>G, p.Pro1055Arg (NM_001363528.2, NM_001370405.1, NM_021055.3); short protein forms P1098R, P1065R, P854R, P1055R, P1006R, P1018R, P1054R.
Identifiers: ClinVar variation 467999 (VCV000467999.59), dbSNP rs773545852, ClinGen allele CA045581.
Genomic context (GRCh38, chr16:2,079,565, plus strand): 5'-TCGTACCAGCCTGGGGACTAAGTCCACCCTGTGCGTGGGATTCTCTTCTCAGCTCCAGCC[C>G]CGGGGTGCATGTGAGACAGACCAAGGAGGCGCCGGCCAAGCTGGAGTCCCAGGCTGGGCA-3'
Protein context (NP_000539.2, residues 1088-1108): LQSGPESSSS[Pro1098Arg]GVHVRQTKEA

ClinVar aggregate classification (germline): Conflicting classifications of pathogenicity. Review status: criteria provided, conflicting classifications (1 of 4 stars). 4 submissions from 4 submitters: Uncertain significance (2); Likely benign (2). Last evaluated 2026-01-10.

Conditions:
Hereditary cancer-predisposing syndrome. Also called: Hereditary neoplastic syndrome; Neoplastic Syndromes, Hereditary; Tumor predisposition; Hereditary Cancer Syndrome. Identifiers: Orphanet 140162, MedGen C0027672, MeSH D009386, MONDO:0015356.
Tuberous sclerosis 2 (TSC2). Identifiers: Orphanet 805, MedGen C1860707, MONDO:0013199, OMIM 613254.
Tuberous sclerosis syndrome (TSC). Also called: Tuberous Sclerosis Complex; Tuberous sclerosis. Identifiers: Orphanet 805, MedGen C0041341, MONDO:0001734.

gnomAD v4.1: 1 of 1,610,616 alleles (0.000062%); highest among the groups gnomAD compares: Non-Finnish European, 0.000085%; no homozygotes.

Submissions (4):

Labcorp Genetics (formerly Invitae), Labcorp
Classification: Likely benign for Tuberous sclerosis 2. Last evaluated: 2026-01-10. Review status: criteria provided, single submitter. Criteria: Invitae Variant Classification Sherloc (09022015). Collection method: clinical testing. Allele origin: germline.

Ambry Genetics
Classification: Uncertain significance for Hereditary cancer-predisposing syndrome. Last evaluated: 2025-10-21. Review status: criteria provided, single submitter. Criteria: Ambry Variant Classification Scheme 2023. Collection method: clinical testing. Allele origin: germline.
Comment: The p.P1098R variant (also known as c.3293C>G), located in coding exon 28 of the TSC2 gene, results from a C to G substitution at nucleotide position 3293. The proline at codon 1098 is replaced by arginine, an amino acid with dissimilar properties. This amino acid position is well conserved in available vertebrate species. In addition, the in silico prediction for this alteration is inconclusive. Since supporting evidence is limited at this time, the clinical significance of this alteration remains unclear.

All of Us Research Program, National Institutes of Health
Classification: Uncertain significance for Tuberous sclerosis syndrome. Last evaluated: 2024-05-09. Review status: criteria provided, single submitter. Criteria: ACMG Guidelines, 2015. Collection method: clinical testing. Allele origin: germline. Inheritance: Autosomal dominant inheritance. Observed: 3 variant alleles, 3 heterozygotes.
Comment: This study involves interpretation of variants in research participants for the purpose of population health screening. Participant phenotype was not available at the time of variant classification. Additional details can be found in publication PMID: 35346344, PMCID: PMC8962531

Genome-Nilou Lab
Classification: Likely benign for Tuberous sclerosis 2. Last evaluated: 2021-11-07. Review status: criteria provided, single submitter. Criteria: ACMG Guidelines, 2015. Collection method: clinical testing. Allele origin: germline. Affected: no.